The following is an entry in ClinVar:

NM_006514.4(SCN10A):c.4747A>C (p.Ile1583Leu)

Gene: SCN10A (sodium voltage-gated channel alpha subunit 10; minus strand). Cytogenetic location: 3p22.2.
Variant type: single nucleotide variant.
Coding change: c.4747A>C on transcript NM_006514.4 (MANE Select); coding-DNA position 4747, A replaced by C.
Protein change: p.Ile1583Leu; replaces isoleucine 1583 with leucine.
Molecular consequence: missense variant.
Genome position (GRCh38, 1-based): chr3:38,698,473, T>G on the plus strand (A>C on the coding strand, the complement: SCN10A is on the minus strand). VCF-style: chr3-38698473-T-G. GRCh37 (hg19) VCF-style: chr3-38739964-T-G.
Other names: c.4744A>C, p.Ile1582Leu (NM_001293306.2); c.4453A>C, p.Ile1485Leu (NM_001293307.2); short protein forms I1582L, I1485L, I1583L.
Identifiers: ClinVar variation 1440103 (VCV001440103.6), dbSNP rs2125980496, ClinGen allele CA352155798.

ClinVar aggregate classification (germline): Uncertain significance (1 of 4 stars; one submission).

Conditions:
Brugada syndrome. Also called: Sudden unexplained nocturnal death syndrome; Sudden Unexplained Death Syndrome; Sudden Unexplained Nocturnal Death Syndrome (SUNDS); Sudden unexpected nocturnal death syndrome. Identifiers: Orphanet 130, MedGen C1142166, MONDO:0015263.

Submission:

Labcorp Genetics (formerly Invitae), Labcorp
Classification: Uncertain significance for Brugada syndrome. Last evaluated: 2021-12-14. Review status: criteria provided, single submitter. Criteria: Invitae Variant Classification Sherloc (09022015). Collection method: clinical testing. Allele origin: germline.
Comment: In summary, the available evidence is currently insufficient to determine the role of this variant in disease. Therefore, it has been classified as a Variant of Uncertain Significance. This sequence change replaces isoleucine, which is neutral and non-polar, with leucine, which is neutral and non-polar, at codon 1583 of the SCN10A protein (p.Ile1583Leu). This variant is not present in population databases (gnomAD no frequency). This variant has not been reported in the literature in individuals affected with SCN10A-related conditions. Algorithms developed to predict the effect of missense changes on protein structure and function are either unavailable or do not agree on the potential impact of this missense change (SIFT: "Tolerated"; PolyPhen-2: "Possibly Damaging"; Align-GVGD: "Class C0").